The following is an entry in ClinVar:

ClinVar aggregate classification (germline): Uncertain significance (1 of 4 stars; one submission).

Conditions:
Early-onset Lafora body disease. Also called: Epilepsy, progressive myoclonic, 10. Identifiers: Orphanet 324290, MedGen C4225258, MONDO:0014717, OMIM 616640.

Allele frequency attached by ClinVar (database versions not stated): gnomAD 0.00001; gnomAD exomes 0.00001; TOPMed 0.00002.
gnomAD v4.1: 15 of 1,613,980 alleles (0.00093%); highest among the groups gnomAD compares: Non-Finnish European, 0.0012%; no homozygotes.

Submission:

Labcorp Genetics (formerly Invitae), Labcorp
Classification: Uncertain significance for Early-onset Lafora body disease. Last evaluated: 2021-10-05. Review status: criteria provided, single submitter. Criteria: Invitae Variant Classification Sherloc (09022015). Collection method: clinical testing. Allele origin: germline.
Comment: In summary, the available evidence is currently insufficient to determine the role of this variant in disease. Therefore, it has been classified as a Variant of Uncertain Significance. Algorithms developed to predict the effect of missense changes on protein structure and function are either unavailable or do not agree on the potential impact of this missense change (SIFT: "Deleterious"; PolyPhen-2: "Possibly Damaging"; Align-GVGD: "Class C0"). This variant has not been reported in the literature in individuals affected with PRDM8-related conditions. This variant is not present in population databases (ExAC no frequency). This sequence change replaces aspartic acid with asparagine at codon 14 of the PRDM8 protein (p.Asp14Asn). The aspartic acid residue is highly conserved and there is a small physicochemical difference between aspartic acid and asparagine.

NM_001099403.2(PRDM8):c.40G>A (p.Asp14Asn)

Gene: PRDM8 (PR/SET domain 8; plus strand). Cytogenetic location: 4q21.21.
Variant type: single nucleotide variant.
Coding change: c.40G>A on transcript NM_001099403.2 (MANE Select); coding-DNA position 40, G replaced by A.
Protein change: p.Asp14Asn; replaces aspartic acid 14 with asparagine.
Molecular consequence: missense variant.
Genome position (GRCh38, 1-based): chr4:80,200,120, G>A. VCF-style: chr4-80200120-G-A. GRCh37 (hg19) VCF-style: chr4-81121274-G-A.
Other names: c.40G>A, p.Asp14Asn (NM_020226.4); short protein forms D14N.
Identifiers: ClinVar variation 838866 (VCV000838866.6), dbSNP rs1274150288, ClinGen allele CA357390617.